The following is an entry in ClinVar:

ClinVar aggregate classification (germline): Uncertain significance (1 of 4 stars; one submission).

Conditions:
Primary ciliary dyskinesia. Also called: Ciliary dyskinesia. Identifiers: Orphanet 244, MedGen C0008780, MONDO:0016575, HP:0012265.

Submission:

Labcorp Genetics (formerly Invitae), Labcorp
Classification: Uncertain significance for Primary ciliary dyskinesia. Last evaluated: 2025-11-12. Review status: criteria provided, single submitter. Criteria: Invitae Variant Classification Sherloc (09022015). Collection method: clinical testing. Allele origin: germline.
Comment: This sequence change replaces proline, which is neutral and non-polar, with alanine, which is neutral and non-polar, at codon 280 of the CCNO protein (p.Pro280Ala). This variant is not present in population databases (gnomAD no frequency). This variant has not been reported in the literature in individuals affected with CCNO-related conditions. Invitae Evidence Modeling of protein sequence and biophysical properties (such as structural, functional, and spatial information, amino acid conservation, physicochemical variation, residue mobility, and thermodynamic stability) indicates that this missense variant is not expected to disrupt CCNO protein function with a negative predictive value of 80%. In summary, the available evidence is currently insufficient to determine the role of this variant in disease. Therefore, it has been classified as a Variant of Uncertain Significance.

NM_021147.5(CCNO):c.838C>G (p.Pro280Ala)

Gene: CCNO (cyclin O; minus strand). Cytogenetic location: 5q11.2.
Variant type: single nucleotide variant.
Coding change: c.838C>G on transcript NM_021147.5 (MANE Select); coding-DNA position 838, C replaced by G.
Protein change: p.Pro280Ala; replaces proline 280 with alanine.
Molecular consequence: missense variant. On other transcripts: non-coding transcript variant (3).
Genome position (GRCh38, 1-based): chr5:55,231,590, G>C on the plus strand (C>G on the coding strand, the complement: CCNO is on the minus strand). VCF-style: chr5-55231590-G-C. GRCh37 (hg19) VCF-style: chr5-54527418-G-C.
Other names: short protein forms P280A.
Identifiers: ClinVar variation 4742914 (VCV004742914.1).